The following is an entry in ClinVar:

ClinVar aggregate classification (germline): Uncertain significance (0 of 4 stars; one submission).

Conditions:
SEMA3B-related disorder. Also called: SEMA3B-related condition.

Allele frequency attached by ClinVar (database versions not stated): TOPMed below 0.00001; gnomAD 0.00002; gnomAD exomes 0.00001.

Submission:

PreventionGenetics, part of Exact Sciences
Classification: Uncertain significance for SEMA3B-related condition. Last evaluated: 2023-11-30. Review status: no assertion criteria provided. Collection method: clinical testing. Allele origin: germline.
Comment: The SEMA3B c.191G>A variant is predicted to result in the amino acid substitution p.Arg64His. To our knowledge, this variant has not been reported in the literature. This variant is reported in 0.0070% of alleles in individuals of African descent in gnomAD. At this time, the clinical significance of this variant is uncertain due to the absence of conclusive functional and genetic evidence.

NM_001290060.2(SEMA3B):c.191G>A (p.Arg64His)

Gene: SEMA3B (semaphorin 3B; plus strand). Cytogenetic location: 3p21.31.
Variant type: single nucleotide variant.
Coding change: c.191G>A on transcript NM_001290060.2 (MANE Select); coding-DNA position 191, G replaced by A.
Protein change: p.Arg64His; replaces arginine 64 with histidine.
Molecular consequence: missense variant.
Genome position (GRCh38, 1-based): chr3:50,270,208, G>A. VCF-style: chr3-50270208-G-A. GRCh37 (hg19) VCF-style: chr3-50307639-G-A.
Other names: c.191G>A, p.Arg64His (NM_001005914.3, NM_001290061.1, NM_004636.4); short protein forms R64H.
Identifiers: ClinVar variation 3054707 (VCV003054707.2), dbSNP rs923242762, ClinGen allele CA74620244.